The following is an entry in ClinVar:

ClinVar aggregate classification (germline): Uncertain significance. Review status: criteria provided, multiple submitters, no conflicts (2 of 4 stars). 2 submissions from 2 submitters: Uncertain significance (2). Last evaluated 2025-02-26.

gnomAD v4.1: 2 of 1,613,596 alleles (0.00012%); highest among the groups gnomAD compares: Non-Finnish European, 0.00017%; no homozygotes.

Submissions (2):

Labcorp Genetics (formerly Invitae), Labcorp
Classification: Uncertain significance. Last evaluated: 2025-02-26. Review status: criteria provided, single submitter. Criteria: Invitae Variant Classification Sherloc (09022015). Collection method: clinical testing. Allele origin: germline.
Comment: This sequence change replaces alanine, which is neutral and non-polar, with serine, which is neutral and polar, at codon 431 of the IMPDH1 protein (p.Ala431Ser). This variant is not present in population databases (gnomAD no frequency). This variant has not been reported in the literature in individuals affected with IMPDH1-related conditions. An algorithm developed to predict the effect of missense changes on protein structure and function (PolyPhen-2) suggests that this variant is likely to be disruptive. In summary, the available evidence is currently insufficient to determine the role of this variant in disease. Therefore, it has been classified as a Variant of Uncertain Significance.

Blueprint Genetics
Classification: Uncertain significance. Last evaluated: 2022-09-07. Review status: criteria provided, single submitter. Criteria: ACMG Guidelines, 2015. Collection method: clinical testing. Allele origin: germline.

NM_000883.4(IMPDH1):c.1291G>T (p.Ala431Ser)

Gene: IMPDH1 (inosine monophosphate dehydrogenase 1; minus strand). Cytogenetic location: 7q32.1.
Variant type: single nucleotide variant.
Coding change: c.1291G>T on transcript NM_000883.4 (MANE Select); coding-DNA position 1291, G replaced by T.
Protein change: p.Ala431Ser; replaces alanine 431 with serine.
Molecular consequence: missense variant.
Genome position (GRCh38, 1-based): chr7:128,395,245, C>A on the plus strand (G>T on the coding strand, the complement: IMPDH1 is on the minus strand). VCF-style: chr7-128395245-C-A. GRCh37 (hg19) VCF-style: chr7-128035299-C-A.
Other names: c.1261G>T, p.Ala421Ser (NM_001102605.2); c.1036G>T, p.Ala346Ser (NM_001142573.2); c.1021G>T, p.Ala341Ser (NM_001142574.2); c.961G>T, p.Ala321Ser (NM_001142575.2); c.1192G>T, p.Ala398Ser (NM_001142576.2); c.1084G>T, p.Ala362Ser (NM_001304521.2); c.1183G>T, p.Ala395Ser (NM_183243.3); short protein forms A362S, A395S, A421S, A321S, A341S, A431S, A346S, A398S.
Identifiers: ClinVar variation 4715504 (VCV004715504.2).